The following is an entry in ClinVar:

ClinVar aggregate classification (germline): Uncertain significance (1 of 4 stars; one submission).

Submission:

GeneDx
Classification: Uncertain significance. Last evaluated: 2024-07-09. Review status: criteria provided, single submitter. Criteria: GeneDx Variant Classification Process June 2021. Collection method: clinical testing. Allele origin: germline. Affected: yes.
Comment: Not observed at significant frequency in large population cohorts (gnomAD); In silico analysis indicates that this missense variant does not alter protein structure/function; Has not been previously published as pathogenic or benign to our knowledge; This variant is associated with the following publications: (PMID: 27839871)

NM_001134407.3(GRIN2A):c.2116A>G (p.Thr706Ala)

Gene: GRIN2A (glutamate ionotropic receptor NMDA type subunit 2A; minus strand). Cytogenetic location: 16p13.2.
Variant type: single nucleotide variant.
Coding change: c.2116A>G on transcript NM_001134407.3 (MANE Select); coding-DNA position 2116, A replaced by G.
Protein change: p.Thr706Ala; replaces threonine 706 with alanine.
Molecular consequence: missense variant.
Genome position (GRCh38, 1-based): chr16:9,822,316, T>C on the plus strand (A>G on the coding strand, the complement: GRIN2A is on the minus strand). VCF-style: chr16-9822316-T-C. GRCh37 (hg19) VCF-style: chr16-9916173-T-C.
Other names: c.2116A>G, p.Thr706Ala (NM_000833.5, NM_001134408.2); short protein forms T706A.
Identifiers: ClinVar variation 3572758 (VCV003572758.1).